The following is an entry in ClinVar:

NM_004415.4(DSP):c.323A>T (p.Asp108Val)

Gene: DSP (desmoplakin; plus strand). Cytogenetic location: 6p24.3.
Variant type: single nucleotide variant.
Coding change: c.323A>T on transcript NM_004415.4 (MANE Select); coding-DNA position 323, A replaced by T.
Protein change: p.Asp108Val; replaces aspartic acid 108 with valine.
Molecular consequence: missense variant.
Genome position (GRCh38, 1-based): chr6:7,558,165, A>T. VCF-style: chr6-7558165-A-T. GRCh37 (hg19) VCF-style: chr6-7558398-A-T.
Other names: c.323A>T, p.Asp108Val (NM_001008844.3, NM_001319034.2, NM_001406591.1); short protein forms D108V.
Identifiers: ClinVar variation 3075248 (VCV003075248.1), dbSNP rs2533849124, ClinGen allele CA362671197.

ClinVar aggregate classification (germline): Uncertain significance (1 of 4 stars; one submission).

Conditions:
Arrhythmogenic cardiomyopathy with wooly hair and keratoderma. Also called: PALMOPLANTAR KERATODERMA WITH LEFT VENTRICULAR CARDIOMYOPATHY AND WOOLLY HAIR; Carvajal syndrome; Dilated cardiomyopathy with woolly hair and keratoderma; Arrhythmogenic cardiomyopathy with woolly hair and keratoderma. Identifiers: Orphanet 65282, MedGen C1854063, MONDO:0011581, OMIM 605676.

Allele frequency attached by ClinVar (database versions not stated): gnomAD exomes below 0.00001.
gnomAD v4.1: 1 of 1,614,212 alleles (0.000062%); highest among the groups gnomAD compares: Non-Finnish European, 0.000085%; no homozygotes.

Submission:

All of Us Research Program, National Institutes of Health
Classification: Uncertain significance for Arrhythmogenic cardiomyopathy with wooly hair and keratoderma. Last evaluated: 2024-01-03. Review status: criteria provided, single submitter. Criteria: ACMG Guidelines, 2015. Collection method: clinical testing. Allele origin: germline. Inheritance: Autosomal dominant inheritance. Observed: 1 variant allele, 1 heterozygote.
Comment: This missense variant replaces aspartic acid with valine at codon 108 of the DSP protein. Computational prediction suggests that this variant may not impact protein structure and function (internally defined REVEL score threshold <= 0.5, PMID: 27666373). To our knowledge, functional studies have not been reported for this variant. This variant has not been reported in individuals affected with DSP-related disorders in the literature. This variant has not been identified in the general population by the Genome Aggregation Database (gnomAD). The available evidence is insufficient to determine the role of this variant in disease conclusively. Therefore, this variant is classified as a Variant of Uncertain Significance.

This study involves interpretation of variants in research participants for the purpose of population health screening. Participant phenotype was not available at the time of variant classification. Additional details can be found in publication PMID: 35346344, PMCID: PMC8962531